The following is an entry in ClinVar:

ClinVar aggregate classification (germline): Uncertain significance (1 of 4 stars; one submission).

Conditions:
Early-infantile DEE. Also called: Ohtahara syndrome; Early infantile epileptic encephalopathy; Early infantile epileptic encephalopathy with suppression bursts. Identifiers: Orphanet 1934, MedGen C0393706, MONDO:0800491.

Submission:

Labcorp Genetics (formerly Invitae), Labcorp
Classification: Uncertain significance for Early-infantile DEE. Last evaluated: 2023-01-24. Review status: criteria provided, single submitter. Criteria: Invitae Variant Classification Sherloc (09022015). Collection method: clinical testing. Allele origin: germline.
Comment: This variant has not been reported in the literature in individuals affected with SCN1A-related conditions. In summary, the available evidence is currently insufficient to determine the role of this variant in disease. Therefore, it has been classified as a Variant of Uncertain Significance. Advanced modeling of protein sequence and biophysical properties (such as structural, functional, and spatial information, amino acid conservation, physicochemical variation, residue mobility, and thermodynamic stability) performed at Invitae indicates that this missense variant is expected to disrupt SCN1A protein function. This variant is not present in population databases (gnomAD no frequency). This sequence change replaces threonine, which is neutral and polar, with isoleucine, which is neutral and non-polar, at codon 1820 of the SCN1A protein (p.Thr1820Ile).

NM_001165963.4(SCN1A):c.5459C>T (p.Thr1820Ile)

Genes: SCN1A (sodium voltage-gated channel alpha subunit 1; minus strand), LOC102724058 (uncharacterized LOC102724058; plus strand). Cytogenetic location: 2q24.3.
Variant type: single nucleotide variant.
Coding change: c.5459C>T on transcript NM_001165963.4 (MANE Select); coding-DNA position 5459, C replaced by T.
Protein change: p.Thr1820Ile; replaces threonine 1820 with isoleucine.
Molecular consequence: missense variant. On other transcripts: non-coding transcript variant (1).
Genome position (GRCh38, 1-based): chr2:165,991,816, G>A on the plus strand (C>T on the coding strand, the complement: SCN1A is on the minus strand). VCF-style: chr2-165991816-G-A. GRCh37 (hg19) VCF-style: chr2-166848326-G-A.
Other names: c.5375C>T, p.Thr1792Ile (NM_001165964.3, NM_001353957.2, NM_001353958.2); c.5459C>T, p.Thr1820Ile (NM_001202435.3, NM_001353948.2); c.5426C>T, p.Thr1809Ile (NM_001353949.2, NM_001353950.2, NM_001353951.2 and 2 more transcripts); c.5423C>T, p.Thr1808Ile (NM_001353954.2, NM_001353955.2); c.5372C>T, p.Thr1791Ile (NM_001353960.2); c.3017C>T, p.Thr1006Ile (NM_001353961.2); short protein forms T1792I, T1006I, T1820I, T1791I, T1808I, T1809I.
Identifiers: ClinVar variation 2000023 (VCV002000023.4), dbSNP rs2468331451, ClinGen allele CA349067452.